The following is an entry in ClinVar:

ClinVar aggregate classification (germline): Uncertain significance. Review status: criteria provided, multiple submitters, no conflicts (2 of 4 stars). 2 submissions from 2 submitters: Uncertain significance (2). Last evaluated 2023-10-31.

Allele frequency attached by ClinVar (database versions not stated): gnomAD 0.00001; ExAC 0.00002; TOPMed 0.00003; gnomAD exomes 0.00004; ESP Exome Variant Server 0.00008.
gnomAD v4.1: 60 of 1,614,112 alleles (0.0037%); highest among the groups gnomAD compares: Admixed American, 0.0083%; no homozygotes.

Submissions (2):

Mayo Clinic Laboratories, Mayo Clinic
Classification: Uncertain significance. Last evaluated: 2023-10-31. Review status: criteria provided, single submitter. Criteria: ACMG Guidelines, 2015. Collection method: clinical testing. Allele origin: germline. Observed: 1 variant allele.
Comment: BP4

Labcorp Genetics (formerly Invitae), Labcorp
Classification: Uncertain significance. Last evaluated: 2022-04-26. Review status: criteria provided, single submitter. Criteria: Invitae Variant Classification Sherloc (09022015). Collection method: clinical testing. Allele origin: germline.
Comment: This sequence change replaces methionine, which is neutral and non-polar, with isoleucine, which is neutral and non-polar, at codon 361 of the MAP3K20 protein (p.Met361Ile). This variant is present in population databases (rs372041805, gnomAD 0.006%). This variant has not been reported in the literature in individuals affected with MAP3K20-related conditions. Experimental studies and prediction algorithms are not available or were not evaluated, and the functional significance of this variant is currently unknown. In summary, the available evidence is currently insufficient to determine the role of this variant in disease. Therefore, it has been classified as a Variant of Uncertain Significance.

NM_016653.3(MAP3K20):c.1083G>A (p.Met361Ile)

Genes: MAP3K20 (mitogen-activated protein kinase kinase kinase 20; plus strand), MAP3K20-AS1 (MAP3K20 antisense RNA 1; minus strand). Cytogenetic location: 2q31.1.
Variant type: single nucleotide variant.
Coding change: c.1083G>A on transcript NM_016653.3 (MANE Select); coding-DNA position 1083, G replaced by A.
Protein change: p.Met361Ile; replaces methionine 361 with isoleucine.
Molecular consequence: missense variant.
Genome position (GRCh38, 1-based): chr2:173,232,339, G>A. VCF-style: chr2-173232339-G-A. GRCh37 (hg19) VCF-style: chr2-174097067-G-A.
Other names: p.Met361Ile; short protein forms M361I.
Identifiers: ClinVar variation 1930103 (VCV001930103.3), dbSNP rs372041805, ClinGen allele CA1970740.